The following is an entry in ClinVar:

NM_004473.4(FOXE1):c.1087C>G (p.Pro363Ala)

Gene: FOXE1 (forkhead box E1; plus strand). Cytogenetic location: 9q22.33.
Variant type: single nucleotide variant.
Coding change: c.1087C>G on transcript NM_004473.4 (MANE Select); coding-DNA position 1087, C replaced by G.
Protein change: p.Pro363Ala; replaces proline 363 with alanine.
Molecular consequence: missense variant.
Genome position (GRCh38, 1-based): chr9:97,855,001, C>G. VCF-style: chr9-97855001-C-G. GRCh37 (hg19) VCF-style: chr9-100617283-C-G.
Other names: short protein forms P363A.
Identifiers: ClinVar variation 1031429 (VCV001031429.1), dbSNP rs200556187, ClinGen allele CA5149178.

ClinVar aggregate classification (germline): Uncertain significance (1 of 4 stars; one submission).

Conditions:
Bamforth-Lazarus syndrome. Identifiers: Orphanet 1226, MedGen C1855794, MONDO:0009437, OMIM 241850.

Allele frequency attached by ClinVar (database versions not stated): gnomAD 0.00015; gnomAD exomes 0.00019; ExAC 0.00020; TOPMed 0.00022; ESP Exome Variant Server 0.00023.
gnomAD v4.1: 279 of 1,609,574 alleles (0.017%); highest among the groups gnomAD compares: Admixed American, 0.027%; no homozygotes.

Submission:

Baylor Genetics
Classification: Uncertain significance for Bamforth-Lazarus syndrome. Last evaluated: 2018-03-16. Review status: criteria provided, single submitter. Criteria: ACMG Guidelines, 2015. Collection method: clinical testing. Allele origin: unknown. Affected: yes.
Comment: This variant was determined to be of uncertain significance according to ACMG Guidelines, 2015 [PMID:25741868].